The following is an entry in ClinVar:

NM_000138.5(FBN1):c.5613C>A (p.Ser1871Arg)

Gene: FBN1 (fibrillin 1; minus strand). Cytogenetic location: 15q21.1.
Variant type: single nucleotide variant.
Coding change: c.5613C>A on transcript NM_000138.5 (MANE Select); coding-DNA position 5613, C replaced by A.
Protein change: p.Ser1871Arg; replaces serine 1871 with arginine.
Molecular consequence: missense variant.
Genome position (GRCh38, 1-based): chr15:48,448,826, G>T on the plus strand (C>A on the coding strand, the complement: FBN1 is on the minus strand). VCF-style: chr15-48448826-G-T. GRCh37 (hg19) VCF-style: chr15-48741023-G-T.
Other names: short protein forms S1871R.
Identifiers: ClinVar variation 527180 (VCV000527180.15), dbSNP rs776310363, ClinGen allele CA055296.

ClinVar aggregate classification (germline): Uncertain significance. Review status: criteria provided, multiple submitters, no conflicts (2 of 4 stars). 4 submissions from 4 submitters: Uncertain significance (4). Last evaluated 2025-12-31.

Conditions:
Familial thoracic aortic aneurysm and aortic dissection (TAAD). Also called: Thoracic aortic aneurysms and dissections. Identifiers: Orphanet 91387, MedGen C4707243, MONDO:0019625.
Marfan syndrome (MFS). Also called: Marfan syndrome type 1; Marfan syndrome, classic; Marfan's syndrome; FBN1-Related Marfan Syndrome; MARFAN SYNDROME, TYPE I. Identifiers: Orphanet 284963, Orphanet 558, MedGen C0024796, MONDO:0007947, OMIM 154700.

Allele frequency attached by ClinVar (database versions not stated): gnomAD exomes below 0.00001; TOPMed 0.00001; ExAC 0.00001.
gnomAD v4.1: 3 of 1,612,786 alleles (0.00019%); highest among the groups gnomAD compares: Non-Finnish European, 0.00025%; no homozygotes.

Submissions (4):

Ambry Genetics
Classification: Uncertain significance for Familial thoracic aortic aneurysm and aortic dissection. Last evaluated: 2025-12-31. Review status: criteria provided, single submitter. Criteria: Ambry Variant Classification Scheme 2023. Collection method: clinical testing. Allele origin: germline.

Color Diagnostics, LLC DBA Color Health
Classification: Uncertain significance for Familial thoracic aortic aneurysm and aortic dissection. Last evaluated: 2025-08-22. Review status: criteria provided, single submitter. Criteria: ACMG Guidelines, 2015. Collection method: clinical testing. Allele origin: germline.
Comment: This missense variant replaces serine with arginine at codon 1871 of the FBN1 protein. Computational prediction suggests that this variant may have deleterious impact on protein structure and function. To our knowledge, functional studies have not been reported for this variant. This variant has not been reported in individuals affected with FBN1-related disorders in the literature. This variant has been identified in 1/250956 chromosomes in the general population by the Genome Aggregation Database (gnomAD). The available evidence is insufficient to determine the role of this variant in disease conclusively. Therefore, this variant is classified as a Variant of Uncertain Significance.

Labcorp Genetics (formerly Invitae), Labcorp
Classification: Uncertain significance for Marfan syndrome; Familial thoracic aortic aneurysm and aortic dissection. Last evaluated: 2024-10-03. Review status: criteria provided, single submitter. Criteria: Invitae Variant Classification Sherloc (09022015). Collection method: clinical testing. Allele origin: germline.
Comment: This sequence change replaces serine, which is neutral and polar, with arginine, which is basic and polar, at codon 1871 of the FBN1 protein (p.Ser1871Arg). The frequency data for this variant in the population databases is considered unreliable, as metrics indicate poor data quality at this position in the gnomAD database. This variant has not been reported in the literature in individuals affected with FBN1-related conditions. ClinVar contains an entry for this variant (Variation ID: 527180). Invitae Evidence Modeling of protein sequence and biophysical properties (such as structural, functional, and spatial information, amino acid conservation, physicochemical variation, residue mobility, and thermodynamic stability) indicates that this missense variant is expected to disrupt FBN1 protein function with a positive predictive value of 95%. In summary, the available evidence is currently insufficient to determine the role of this variant in disease. Therefore, it has been classified as a Variant of Uncertain Significance.

GeneDx
Classification: Uncertain significance. Last evaluated: 2024-02-16. Review status: criteria provided, single submitter. Criteria: GeneDx Variant Classification Process June 2021. Collection method: clinical testing. Allele origin: germline. Affected: yes.
Comment: Not observed at significant frequency in large population cohorts (gnomAD); In silico analysis supports that this missense variant has a deleterious effect on protein structure/function; Has not been previously published as pathogenic or benign to our knowledge; Although located in a calcium-binding EGF-like domain of the FBN1 gene, it does not affect a cysteine residue within this domain; cysteine substitutions in the calcium-binding EGF-like domains represent the majority of pathogenic missense changes associated with FBN1-related disorders (PMID: 12938084); This variant is associated with the following publications: (PMID: 12938084)